The following is an entry in ClinVar:

ClinVar aggregate classification (germline): Benign/Likely benign. Review status: criteria provided, multiple submitters, no conflicts (2 of 4 stars). 4 submissions from 4 submitters: Benign (3); Likely benign (1). Last evaluated 2026-06-01.

Allele frequency attached by ClinVar (database versions not stated): ESP Exome Variant Server 0.00057; gnomAD exomes 0.00121 and 0.00498; gnomAD 0.00178 and 0.00192; 1000 Genomes Project 0.00265; 1000 Genomes Project 30x 0.00271; TOPMed 0.00317; ExAC 0.00376.
gnomAD v4.1: 1,536 of 1,209,655 alleles (0.13%); highest among the groups gnomAD compares: Admixed American, 2.6%; 16 homozygotes.

Submissions (4):

CeGaT Center for Human Genetics Tuebingen
Classification: Likely benign. Last evaluated: 2026-06-01. Review status: criteria provided, single submitter. Criteria: CeGaT Center For Human Genetics Tuebingen Variant Classification Criteria Version 2. Collection method: clinical testing. Allele origin: germline. Affected: yes. Observed: 2 variant alleles.
Comment: TLR7: BP4

Labcorp Genetics (formerly Invitae), Labcorp
Classification: Benign. Last evaluated: 2026-01-27. Review status: criteria provided, single submitter. Criteria: Invitae Variant Classification Sherloc (09022015). Collection method: clinical testing. Allele origin: germline.

Mayo Clinic Laboratories, Mayo Clinic
Classification: Benign. Last evaluated: 2024-12-23. Review status: criteria provided, single submitter. Criteria: ACMG Guidelines, 2015. Collection method: clinical testing. Allele origin: germline. Observed: 4 variant alleles.
Comment: BS1, BS2, BP4_moderate

Breakthrough Genomics
Classification: Benign. Review status: criteria provided, single submitter. Criteria: ACMG Guidelines, 2015. Collection method: not provided. Allele origin: germline. Inheritance: X-linked inheritance. Affected: yes.

NM_016562.4(TLR7):c.655G>A (p.Val219Ile)

Gene: TLR7 (toll like receptor 7; plus strand). Cytogenetic location: Xp22.2.
Variant type: single nucleotide variant.
Coding change: c.655G>A on transcript NM_016562.4 (MANE Select); coding-DNA position 655, G replaced by A.
Protein change: p.Val219Ile; replaces valine 219 with isoleucine.
Molecular consequence: missense variant.
Genome position (GRCh38, 1-based): chrX:12,886,163, G>A. VCF-style: chrX-12886163-G-A. GRCh37 (hg19) VCF-style: chrX-12904282-G-A.
Other names: p.Val219Ile; short protein forms V219I.
Identifiers: ClinVar variation 785922 (VCV000785922.13), dbSNP rs149314023, ClinGen allele CA10349949.
Genomic context (GRCh38, chrX:12,886,163, plus strand): 5'-GCCTTCCTAAACTTGACAAAGTTAAAAGTGCTCTCCCTGAAAGATAACAATGTCACAGCC[G>A]TCCCTACTGTTTTGCCATCTACTTTAACAGAACTATATCTCTACAACAACATGATTGCAA-3'
Protein context (NP_057646.1, residues 209-229): LSLKDNNVTA[Val219Ile]PTVLPSTLTE